The following is an entry in ClinVar:

NM_004260.4(RECQL4):c.1117C>A (p.Leu373Ile)

Gene: RECQL4 (RecQ like helicase 4; minus strand). Cytogenetic location: 8q24.3.
Variant type: single nucleotide variant.
Coding change: c.1117C>A on transcript NM_004260.4 (MANE Select); coding-DNA position 1117, C replaced by A.
Protein change: p.Leu373Ile; replaces leucine 373 with isoleucine.
Molecular consequence: missense variant. On other transcripts: 5 prime UTR variant (6), non-coding transcript variant (3).
Genome position (GRCh38, 1-based): chr8:144,516,002, G>T on the plus strand (C>A on the coding strand, the complement: RECQL4 is on the minus strand). VCF-style: chr8-144516002-G-T. GRCh37 (hg19) VCF-style: chr8-145741386-G-T.
Other names: c.1021C>A, p.Leu341Ile (NM_001413017.1, NM_001413020.1); c.1117C>A, p.Leu373Ile (NM_001413018.1, NM_001413019.1, NM_001413033.1 and 2 more transcripts); c.46C>A, p.Leu16Ile (NM_001413021.1, NM_001413022.1, NM_001413023.1 and 8 more transcripts); c.988C>A, p.Leu330Ile (NM_001413025.1); c.-17C>A (NM_001413027.1, NM_001413030.1, NM_001413031.1 and 2 more transcripts); c.766C>A, p.Leu256Ile (NM_001413029.1); c.-224C>A (NM_001413043.1); short protein forms L16I, L256I, L373I, L330I, L341I.
Identifiers: ClinVar variation 4152356 (VCV004152356.1).

ClinVar aggregate classification (germline): Uncertain significance (1 of 4 stars; one submission).

Conditions:
Inborn genetic diseases. Identifiers: MedGen C0950123, MeSH D030342.

Submission:

Ambry Genetics
Classification: Uncertain significance for Inborn genetic diseases. Last evaluated: 2025-06-29. Review status: criteria provided, single submitter. Criteria: Ambry Variant Classification Scheme 2023. Collection method: clinical testing. Allele origin: germline.
Comment: The p.L373I variant (also known as c.1117C>A), located in coding exon 5 of the RECQL4 gene, results from a C to A substitution at nucleotide position 1117. The leucine at codon 373 is replaced by isoleucine, an amino acid with highly similar properties. This amino acid position is conserved. In addition, this alteration is predicted to be tolerated by in silico analysis. Based on the available evidence, the clinical significance of this variant remains unclear.